The following is an entry in ClinVar:

NM_004429.5(EFNB1):c.406+2T>C

Gene: EFNB1 (ephrin B1; plus strand). Cytogenetic location: Xq13.1.
Variant type: single nucleotide variant.
Coding change: c.406+2T>C on transcript NM_004429.5 (MANE Select); the canonical splice donor site of the intron after coding-DNA position 406, T replaced by C.
Molecular consequence: splice donor variant.
Genome position (GRCh38, 1-based): chrX:68,838,896, T>C. VCF-style: chrX-68838896-T-C. GRCh37 (hg19) VCF-style: chrX-68058739-T-C.
Other names: NC_000023.10:g.68058739T>C.
Identifiers: ClinVar variation 3254766 (VCV003254766.2), dbSNP rs2147976566.

ClinVar aggregate classification (germline): Pathogenic (1 of 4 stars; one submission).

Conditions:
Craniofrontonasal syndrome (CFNS). Also called: CRANIOFRONTONASAL DYSOSTOSIS. Identifiers: Orphanet 1520, MedGen C0220767, MONDO:0010570, OMIM 304110.

Submissions (2):

Victorian Clinical Genetics Services, Murdoch Childrens Research Institute
Classification: Pathogenic for Craniofrontonasal syndrome. Last evaluated: 2023-07-17. Review status: criteria provided, single submitter. Criteria: ACMG Guidelines, 2015. Collection method: clinical testing. Allele origin: germline. Inheritance: X-linked dominant inheritance. Affected: yes.
Comment: Based on the classification scheme VCGS_Germline_v1.3.4, this variant is classified as Pathogenic. Following criteria are met: 0102 - Loss of function is a known mechanism of disease in this gene and is associated with craniofrontonasal dysplasia (MIM#304110). (I) 0110 - This gene is associated with X-linked dominant disease. (I) 0115 - Variants in this gene are known to have variable expressivity (PMID: 34602953). (I) 0210 - Splice site variant proven to affect splicing of the transcript with a known effect on protein sequence. Sequencing of RT-PCR products from affected individual’s cells has demonstrated this variant may cause retention of intron 2, or activation of a cryptic donor site within exon 2. Both these outcomes result in a premature termination codon, and nonsense-mediate decay (NMD) is predicted (PMID: 20565770). (SP) 0251 - This variant is heterozygous. (I) 0301 - Variant is absent from gnomAD (both v2 and v3). (SP) 0701 - Other NMD-predicted variants comparable to the one identified in this case have very strong previous evidence for pathogenicity. These variants have been reported many times as pathogenic (DECIPHER). Additionally, variants affecting the same canonical splice region, c.406+2T>G and c.406+1G>A, have been reported in individuals with craniofrontonasal dysplasia (CFNS; PMID: 18627045, PMID: 15166289). (SP) 0802 - This variant has moderate previous evidence of pathogenicity in unrelated individuals. This variant has been observed as de novo in an individual, and in another family with CFNS (PMID: 20565770, PMID: 18627045). (SP) Legend: (SP) - Supporting pathogenic, (I) - Information, (SB) - Supporting benign

Dr. Peter K. Rogan Lab, Western University
No classification provided (evidence only). Condition: Nonpapillary renal cell carcinoma. Review status: no classification provided. Collection method: in vitro. Allele origin: not applicable. Functional consequence: retained intron. Not counted in ClinVar's aggregate classification.

Literature cited by the submitters: PubMed 15166289 (cited by Victorian Clinical Genetics Services, Murdoch Childrens Research Institute); PubMed 18627045 (cited by Victorian Clinical Genetics Services, Murdoch Childrens Research Institute); PubMed 20565770 (cited by Victorian Clinical Genetics Services, Murdoch Childrens Research Institute); PubMed 34602953 (cited by Victorian Clinical Genetics Services, Murdoch Childrens Research Institute).